The following is an entry in ClinVar:

NM_000340.2(SLC2A2):c.775+1G>A

Gene: SLC2A2 (solute carrier family 2 member 2; minus strand). Cytogenetic location: 3q26.2.
Variant type: single nucleotide variant.
Coding change: c.775+1G>A on transcript NM_000340.2 (MANE Select); the canonical splice donor site of the intron after coding-DNA position 775, G replaced by A.
Molecular consequence: splice donor variant.
Genome position (GRCh38, 1-based): chr3:171,005,942, C>T on the plus strand (G>A on the coding strand, the complement: SLC2A2 is on the minus strand). VCF-style: chr3-171005942-C-T. GRCh37 (hg19) VCF-style: chr3-170723731-C-T.
Other names: c.418+1G>A (NM_001278658.2); c.256+1G>A (NM_001278659.2).
Identifiers: ClinVar variation 502268 (VCV000502268.18), dbSNP rs756874949, ClinGen allele CA2702593.

ClinVar aggregate classification (germline): Pathogenic/Likely pathogenic. Review status: criteria provided, multiple submitters, no conflicts (2 of 4 stars). 5 submissions from 5 submitters: Pathogenic (4); Likely pathogenic (1). Last evaluated 2024-09-22.

Conditions:
Fanconi-Bickel syndrome (FBS). Also called: Glycogen storage disease due to GLUT2 deficiency; PSEUDO-PHLORIZIN DIABETES; FANCONI SYNDROME WITH INTESTINAL MALABSORPTION AND GALACTOSE INTOLERANCE; HEPATIC GLYCOGENOSIS WITH AMINO ACIDURIA AND GLUCOSURIA; HEPATIC GLYCOGENOSIS WITH FANCONI NEPHROPATHY; HEPATORENAL GLYCOGENOSIS WITH RENAL FANCONI SYNDROME. Identifiers: Orphanet 2088, MedGen C3495427, MONDO:0009216, OMIM 227810.
Type 2 diabetes mellitus. Also called: Type II diabetes mellitus. Identifiers: MedGen C0011860, MeSH D003924, MONDO:0005148, OMIM 125853, HP:0005978.

Allele frequency attached by ClinVar (database versions not stated): TOPMed below 0.00001; ExAC 0.00001; gnomAD 0.00001; gnomAD exomes 0.00001.
gnomAD v4.1: 6 of 1,611,752 alleles (0.00037%); highest among the groups gnomAD compares: African/African-American, 0.0053%; no homozygotes.

Submissions (5):

Genomic Medicine Center of Excellence, King Faisal Specialist Hospital and Research Centre
Classification: Pathogenic for Fanconi-Bickel syndrome. Last evaluated: 2024-09-22. Review status: criteria provided, single submitter. Criteria: ACMG Guidelines, 2015. Collection method: clinical testing. Allele origin: germline.

Labcorp Genetics (formerly Invitae), Labcorp
Classification: Likely pathogenic for Fanconi-Bickel syndrome. Last evaluated: 2023-05-23. Review status: criteria provided, single submitter. Criteria: Invitae Variant Classification Sherloc (09022015). Collection method: clinical testing. Allele origin: germline.
Comment: In summary, the currently available evidence indicates that the variant is pathogenic, but additional data are needed to prove that conclusively. Therefore, this variant has been classified as Likely Pathogenic. Algorithms developed to predict the effect of sequence changes on RNA splicing suggest that this variant may disrupt the consensus splice site. ClinVar contains an entry for this variant (Variation ID: 502268). Disruption of this splice site has been observed in individual(s) with Fanconi-Bickel syndrome (PMID: 11810292). This variant is present in population databases (rs756874949, gnomAD 0.004%). This sequence change affects a donor splice site in intron 6 of the SLC2A2 gene. It is expected to disrupt RNA splicing. Variants that disrupt the donor or acceptor splice site typically lead to a loss of protein function (PMID: 16199547), and loss-of-function variants in SLC2A2 are known to be pathogenic (PMID: 11810292).

Foundation for Research in Genetics and Endocrinology, FRIGE's Institute of Human Genetics
Classification: Pathogenic for Fanconi-Bickel syndrome. Last evaluated: 2023-04-14. Review status: criteria provided, single submitter. Criteria: ACMG Guidelines, 2015. Collection method: clinical testing. Allele origin: germline. Inheritance: Autosomal recessive inheritance. Affected: yes. Observed: 1 homozygote.
Comment: A homozygous 5’ splice site variant in intron 6 of the SLC2A2 gene that affects the invariant GT donor splice site downstream of exon 6 (c.775+1G>A) was detected. The observed variant has been previously reported in the patients affected with Fanconi-Bickel syndrome [PMID: 31589614]. The variant has not been reported in the 1000 genomes databases and has a minor allele frequency of 0.001%, 0.0008% and 0.0004% n the gnomAD (v3.1), gnomdAD (v2.1) and topmed databases respectively. The in-silico predictions of the variant is damaging by MutationTaster2. The reference base is conserved across species. In summary, the variant meets our criteria to be classified as pathogenic.

Fulgent Genetics
Classification: Pathogenic for Type 2 diabetes mellitus; Fanconi-Bickel syndrome. Last evaluated: 2022-05-05. Review status: criteria provided, single submitter. Criteria: ACMG Guidelines, 2015. Collection method: clinical testing. Allele origin: unknown.

Eurofins Ntd Llc (ga)
Classification: Pathogenic. Last evaluated: 2017-05-31. Review status: criteria provided, single submitter. Criteria: EGL Classification Definitions 2015. Collection method: clinical testing. Allele origin: germline. Observed: 1 variant allele, 1 heterozygote.

Literature cited by the submitters: PubMed 11810292 (cited by Labcorp Genetics (formerly Invitae), Labcorp); PubMed 16199547 (cited by Labcorp Genetics (formerly Invitae), Labcorp).